The following is an entry in ClinVar:

ClinVar aggregate classification (germline): Conflicting classifications of pathogenicity. Review status: criteria provided, conflicting classifications (1 of 4 stars). 3 submissions from 3 submitters: Uncertain significance (2); Likely benign (1). Last evaluated 2025-12-26.

Conditions:
COL7A1-related disorder. Also called: COL7A1- related disorders; COL7A1-related condition.
Inborn genetic diseases. Identifiers: MedGen C0950123, MeSH D030342.

Allele frequency attached by ClinVar (database versions not stated): gnomAD exomes 0.00001; ExAC 0.00002.
gnomAD v4.1: 14 of 1,614,028 alleles (0.00087%); highest among the groups gnomAD compares: South Asian, 0.0066%; no homozygotes.

Submissions (3):

PreventionGenetics, part of Exact Sciences
Classification: Uncertain significance for COL7A1-related condition. Last evaluated: 2025-12-26. Review status: criteria provided, single submitter. Criteria: ACMG Guidelines, 2015. Collection method: clinical testing. Allele origin: germline.
Comment: The COL7A1 c.934G>A variant is predicted to result in the amino acid substitution p.Ala312Thr. To our knowledge, this variant has not been reported in the literature. This variant is reported in 0.0098% of alleles in individuals of South Asian descent in gnomAD. At this time, the clinical significance of this variant is uncertain due to the absence of conclusive functional and genetic evidence.

Ambry Genetics
Classification: Uncertain significance for Inborn genetic diseases. Last evaluated: 2025-09-26. Review status: criteria provided, single submitter. Criteria: Ambry Variant Classification Scheme 2023. Collection method: clinical testing. Allele origin: germline.

Labcorp Genetics (formerly Invitae), Labcorp
Classification: Likely benign. Last evaluated: 2023-07-07. Review status: criteria provided, single submitter. Criteria: Invitae Variant Classification Sherloc (09022015). Collection method: clinical testing. Allele origin: germline.

NM_000094.4(COL7A1):c.934G>A (p.Ala312Thr)

Gene: COL7A1 (collagen type VII alpha 1 chain; minus strand). Cytogenetic location: 3p21.31.
Variant type: single nucleotide variant.
Coding change: c.934G>A on transcript NM_000094.4 (MANE Select); coding-DNA position 934, G replaced by A.
Protein change: p.Ala312Thr; replaces alanine 312 with threonine.
Molecular consequence: missense variant.
Genome position (GRCh38, 1-based): chr3:48,592,612, C>T on the plus strand (G>A on the coding strand, the complement: COL7A1 is on the minus strand). VCF-style: chr3-48592612-C-T. GRCh37 (hg19) VCF-style: chr3-48630045-C-T.
Other names: short protein forms A312T.
Identifiers: ClinVar variation 2171631 (VCV002171631.6), dbSNP rs774513456, ClinGen allele CA2381398.